The following is an entry in ClinVar:

NM_003722.5(TP63):c.1492G>A (p.Gly498Ser)

Gene: TP63 (tumor protein p63; plus strand). Cytogenetic location: 3q28.
Variant type: single nucleotide variant.
Coding change: c.1492G>A on transcript NM_003722.5 (MANE Select); coding-DNA position 1492, G replaced by A.
Protein change: p.Gly498Ser; replaces glycine 498 with serine.
Molecular consequence: missense variant.
Genome position (GRCh38, 1-based): chr3:189,886,536, G>A. VCF-style: chr3-189886536-G-A. GRCh37 (hg19) VCF-style: chr3-189604325-G-A.
Other names: c.1492G>A, p.Gly498Ser (NM_001114978.2, NM_001329144.2); c.1210G>A, p.Gly404Ser (NM_001114980.2, NM_001114981.2, NM_001329145.2); c.955G>A, p.Gly319Ser (NM_001329146.2); c.1480G>A, p.Gly494Ser (NM_001329148.2); c.1198G>A, p.Gly400Ser (NM_001329149.2); c.943G>A, p.Gly315Ser (NM_001329150.2); c.1486G>A, p.Gly496Ser (NM_001329964.2); short protein forms G498S, G400S, G404S, G315S, G319S, G494S, G496S.
Identifiers: ClinVar variation 1510458 (VCV001510458.5), dbSNP rs2108854569, ClinGen allele CA355757546.
Genomic context (GRCh38, chr3:189,886,536, plus strand): 5'-GTGAGCCAGCTTATCAACCCTCAGCAGCGCAACGCCCTCACTCCTACAACCATTCCTGAT[G>A]GCATGGGAGCCAACAGTAAGAGCATCTCCTTTTAGCTGTGGCTGAAGGATGAACAGGCTA-3'
Protein context (NP_003713.3, residues 488-508): NALTPTTIPD[Gly498Ser]MGANIPMMGT

ClinVar aggregate classification (germline): Uncertain significance (1 of 4 stars; one submission).

Conditions:
TP63-Related Spectrum Disorders.

Submission:

Labcorp Genetics (formerly Invitae), Labcorp
Classification: Uncertain significance. Last evaluated: 2021-08-05. Review status: criteria provided, single submitter. Criteria: Invitae Variant Classification Sherloc (09022015). Collection method: clinical testing. Allele origin: germline.
Comment: Algorithms developed to predict the effect of missense changes on protein structure and function are either unavailable or do not agree on the potential impact of this missense change (SIFT: "Deleterious"; PolyPhen-2: "Benign"; Align-GVGD: "Class C55"). Algorithms developed to predict the effect of sequence changes on RNA splicing suggest that this variant may create or strengthen a splice site. In summary, the available evidence is currently insufficient to determine the role of this variant in disease. Therefore, it has been classified as a Variant of Uncertain Significance. This variant has not been reported in the literature in individuals affected with TP63-related conditions. This sequence change replaces glycine with serine at codon 498 of the TP63 protein (p.Gly498Ser). The glycine residue is highly conserved and there is a small physicochemical difference between glycine and serine. This variant is not present in population databases (ExAC no frequency).